The following is an entry in ClinVar:

NM_138927.4(SON):c.2272T>A (p.Ser758Thr)

Gene: SON (SON DNA and RNA binding protein; plus strand). Cytogenetic location: 21q22.11.
Variant type: single nucleotide variant.
Coding change: c.2272T>A on transcript NM_138927.4 (MANE Select); coding-DNA position 2272, T replaced by A.
Protein change: p.Ser758Thr; replaces serine 758 with threonine.
Molecular consequence: missense variant. On other transcripts: non-coding transcript variant (1), intron variant (1).
Genome position (GRCh38, 1-based): chr21:33,551,503, T>A. VCF-style: chr21-33551503-T-A. GRCh37 (hg19) VCF-style: chr21-34923809-T-A.
Other names: c.2272T>A, p.Ser758Thr (NM_001291411.2, NM_001412133.1, NM_032195.3 and 2 more transcripts); c.244+5124T>A (NM_001291412.3); short protein forms S758T.
Identifiers: ClinVar variation 2987416 (VCV002987416.3), dbSNP rs1281928273, ClinGen allele CA410157606.

ClinVar aggregate classification (germline): Uncertain significance (1 of 4 stars; one submission).

Allele frequency attached by ClinVar (database versions not stated): gnomAD exomes below 0.00001.

Submission:

Labcorp Genetics (formerly Invitae), Labcorp
Classification: Uncertain significance. Last evaluated: 2023-10-11. Review status: criteria provided, single submitter. Criteria: Invitae Variant Classification Sherloc (09022015). Collection method: clinical testing. Allele origin: germline.
Comment: This sequence change replaces serine, which is neutral and polar, with threonine, which is neutral and polar, at codon 758 of the SON protein (p.Ser758Thr). This variant is not present in population databases (gnomAD no frequency). This variant has not been reported in the literature in individuals affected with SON-related conditions. Algorithms developed to predict the effect of missense changes on protein structure and function output the following: SIFT: "Not Available"; PolyPhen-2: "Benign"; Align-GVGD: "Not Available". The threonine amino acid residue is found in multiple mammalian species, which suggests that this missense change does not adversely affect protein function. In summary, the available evidence is currently insufficient to determine the role of this variant in disease. Therefore, it has been classified as a Variant of Uncertain Significance.